The following is an entry in ClinVar:

ClinVar aggregate classification (germline): Benign/Likely benign. Review status: criteria provided, multiple submitters, no conflicts (2 of 4 stars). 12 submissions from 11 submitters: Benign (7); Likely benign (3). 2 of the submissions do not count toward it. Last evaluated 2026-02-04.

Conditions:
Bardet-Biedl syndrome 2 (BBS2). Identifiers: Orphanet 110, MedGen C2936863, MONDO:0014432, OMIM 615981.
Retinitis pigmentosa 74 (RP74). Identifiers: Orphanet 791, MedGen C4225281, MONDO:0014692, OMIM 616562.
Bardet-Biedl syndrome (BBS). Identifiers: Orphanet 110, MedGen C0752166, MONDO:0015229.
Bardet-Biedl syndrome 1 (BBS1). Identifiers: MedGen C2936862, MONDO:0008854, OMIM 209900. Disease mechanism: loss of function.

Allele frequency attached by ClinVar (database versions not stated): 1000 Genomes Project 30x 0.00437; 1000 Genomes Project 0.00459; TOPMed 0.01071; ESP Exome Variant Server 0.01231; ExAC 0.01264; gnomAD 0.01361 and 0.01415; gnomAD exomes 0.01387 and 0.01597.
gnomAD v4.1: 25,155 of 1,614,088 alleles (1.6%); highest among the groups gnomAD compares: Middle Eastern, 1.9%; 270 homozygotes.

Submissions (12):

Labcorp Genetics (formerly Invitae), Labcorp
Classification: Benign for Bardet-Biedl syndrome. Last evaluated: 2026-02-04. Review status: criteria provided, single submitter. Criteria: Invitae Variant Classification Sherloc (09022015). Collection method: clinical testing. Allele origin: germline.

Mayo Clinic Laboratories, Mayo Clinic
Classification: Benign. Last evaluated: 2023-01-30. Review status: criteria provided, single submitter. Criteria: ACMG Guidelines, 2015. Collection method: clinical testing. Allele origin: germline. Observed: 2 variant alleles.
Comment: BS1, BS2, BP4, BP7

Fulgent Genetics
Classification: Likely benign for Bardet-Biedl syndrome 2; Retinitis pigmentosa 74. Last evaluated: 2022-02-07. Review status: criteria provided, single submitter. Criteria: ACMG Guidelines, 2015. Collection method: clinical testing. Allele origin: unknown.

Genome-Nilou Lab
Classification: Benign for Bardet-Biedl syndrome 2. Last evaluated: 2021-07-01. Review status: criteria provided, single submitter. Criteria: ACMG Guidelines, 2015. Collection method: clinical testing. Allele origin: germline. Affected: no.

Genome-Nilou Lab
Classification: Benign for Retinitis pigmentosa 74. Last evaluated: 2021-07-01. Review status: criteria provided, single submitter. Criteria: ACMG Guidelines, 2015. Collection method: clinical testing. Allele origin: germline. Affected: no.

Illumina Laboratory Services, Illumina
Classification: Benign for Bardet-Biedl syndrome 2. Last evaluated: 2018-01-13. Review status: criteria provided, single submitter. Criteria: ICSL Variant Classification Criteria 13 December 2019. Collection method: clinical testing. Allele origin: germline.
Comment: This variant was observed in the ICSL laboratory as part of a predisposition screen in an ostensibly healthy population. It had not been previously curated by ICSL or reported in the Human Gene Mutation Database (HGMD: prior to June 1st, 2018), and was therefore a candidate for classification through an automated scoring system. Utilizing variant allele frequency, disease prevalence and penetrance estimates, and inheritance mode, an automated score was calculated to assess if this variant is too frequent to cause the disease. Based on the score and internal cut-off values, a variant classified as benign is not then subjected to further curation. The score for this variant resulted in a classification of benign for this disease.

Clinical Genetics DNA and cytogenetics Diagnostics Lab, Erasmus MC, Erasmus Medical Center
Classification: Likely benign for Bardet-Biedl syndrome 1. Last evaluated: 2017-06-28. Review status: criteria provided, single submitter. Criteria: ACGS Guidelines, 2013. Collection method: clinical testing. Allele origin: germline. Affected: yes. Study: VKGL Data-share Consensus.

Eurofins Ntd Llc (ga)
Classification: Benign. Last evaluated: 2013-07-30. Review status: criteria provided, single submitter. Criteria: EGL Classification Definitions 2015. Collection method: clinical testing. Allele origin: germline. Observed: 1 variant allele, 1 heterozygote.

Breakthrough Genomics
Classification: Likely benign. Review status: criteria provided, single submitter. Criteria: ACMG Guidelines, 2015. Collection method: not provided. Allele origin: germline. Inheritance: Autosomal recessive inheritance. Affected: yes.

PreventionGenetics, part of Exact Sciences
Classification: Benign. Review status: criteria provided, single submitter. Criteria: ACMG Guidelines, 2015. Collection method: clinical testing. Allele origin: germline.

Natera, Inc.
Classification: Benign for Bardet-Biedl syndrome type 2. Last evaluated: 2020-09-16. Review status: no assertion criteria provided. Collection method: clinical testing. Allele origin: germline. Not counted in ClinVar's aggregate classification.

Genome Diagnostics Laboratory, Amsterdam University Medical Center
Classification: Benign for Bardet-Biedl syndrome 1. Last evaluated: 2017-04-19. Review status: no assertion criteria provided. Criteria: ACGS Guidelines, 2013. Collection method: clinical testing. Allele origin: germline. Affected: yes. Study: VKGL Data-share Consensus. Not counted in ClinVar's aggregate classification.

NM_031885.5(BBS2):c.1413A>C (p.Val471=)

Gene: BBS2 (Bardet-Biedl syndrome 2; minus strand). Cytogenetic location: 16q13.
Variant type: single nucleotide variant.
Coding change: c.1413A>C on transcript NM_031885.5 (MANE Select); coding-DNA position 1413, A replaced by C.
Protein change: p.Val471=; no amino-acid change (valine 471 retained).
Molecular consequence: synonymous variant. On other transcripts: non-coding transcript variant (5).
Genome position (GRCh38, 1-based): chr16:56,499,892, T>G on the plus strand (A>C on the coding strand, the complement: BBS2 is on the minus strand). VCF-style: chr16-56499892-T-G. GRCh37 (hg19) VCF-style: chr16-56533804-T-G.
Other names: p.Val471=; c.1413A>C, p.Val471= (NM_001377456.1).
Identifiers: ClinVar variation 96206 (VCV000096206.28), dbSNP rs35294865, ClinGen allele CA149358.